The following is an entry in ClinVar:

NM_019594.4(LRRC8A):c.104T>A (p.Met35Lys)

Gene: LRRC8A (leucine rich repeat containing 8 VRAC subunit A; plus strand). Cytogenetic location: 9q34.11.
Variant type: single nucleotide variant.
Coding change: c.104T>A on transcript NM_019594.4 (MANE Select); coding-DNA position 104, T replaced by A.
Protein change: p.Met35Lys; replaces methionine 35 with lysine.
Molecular consequence: missense variant.
Genome position (GRCh38, 1-based): chr9:128,907,268, T>A. VCF-style: chr9-128907268-T-A. GRCh37 (hg19) VCF-style: chr9-131669547-T-A.
Other names: c.104T>A, p.Met35Lys (NM_001127244.2, NM_001127245.2); short protein forms M35K.
Identifiers: ClinVar variation 2991663 (VCV002991663.3), dbSNP rs1468055044, ClinGen allele CA375071907.
Genomic context (GRCh38, chr9:128,907,268, plus strand): 5'-CAGCATACCGGATCCTGAAGCCGTGGTGGGATGTGTTCACAGACTACATCTCTATCGTCA[T>A]GCTGATGATTGCCGTCTTCGGGGGGACGCTGCAGGTCACCCAAGACAAGATGATCTGCCT-3'
Protein context (NP_062540.2, residues 25-45): DVFTDYISIV[Met35Lys]LMIAVFGGTL

ClinVar aggregate classification (germline): Uncertain significance (1 of 4 stars; one submission).

gnomAD v4.1: 4 of 1,614,108 alleles (0.00025%); highest among the groups gnomAD compares: Non-Finnish European, 0.00034%; no homozygotes.

Submission:

Labcorp Genetics (formerly Invitae), Labcorp
Classification: Uncertain significance. Last evaluated: 2023-03-23. Review status: criteria provided, single submitter. Criteria: Invitae Variant Classification Sherloc (09022015). Collection method: clinical testing. Allele origin: germline.
Comment: An algorithm developed to predict the effect of missense changes on protein structure and function (PolyPhen-2) suggests that this variant is likely to be disruptive. This sequence change replaces methionine, which is neutral and non-polar, with lysine, which is basic and polar, at codon 35 of the LRRC8A protein (p.Met35Lys). This variant is present in population databases (no rsID available, gnomAD 0.0009%). This variant has not been reported in the literature in individuals affected with LRRC8A-related conditions. In summary, the available evidence is currently insufficient to determine the role of this variant in disease. Therefore, it has been classified as a Variant of Uncertain Significance.